The following is an entry in ClinVar:

ClinVar aggregate classification (germline): Uncertain significance. Review status: criteria provided, multiple submitters, no conflicts (2 of 4 stars). 2 submissions from 2 submitters: Uncertain significance (2). Last evaluated 2026-02-03.

Conditions:
Autosomal dominant nonsyndromic hearing loss 1. Also called: KONIGSMARK SYNDROME; DEAFNESS, AUTOSOMAL DOMINANT 1, WITH OR WITHOUT THROMBOCYTOPENIA. Identifiers: Orphanet 90635, MedGen C1852282, MONDO:0007424, OMIM 124900.
Progressive microcephaly-seizures-cortical blindness-developmental delay syndrome. Also called: Seizures, cortical blindness, and microcephaly syndrome. Identifiers: Orphanet 477814, MedGen C5567650, MONDO:0014714, OMIM 616632.

Submissions (2):

Labcorp Genetics (formerly Invitae), Labcorp
Classification: Uncertain significance for Progressive microcephaly-seizures-cortical blindness-developmental delay syndrome; Autosomal dominant nonsyndromic hearing loss 1. Last evaluated: 2026-02-03. Review status: criteria provided, single submitter. Criteria: Invitae Variant Classification Sherloc (09022015). Collection method: clinical testing. Allele origin: germline.
Comment: This sequence change replaces glycine, which is neutral and non-polar, with arginine, which is basic and polar, at codon 995 of the DIAPH1 protein (p.Gly995Arg). This variant is not present in population databases (gnomAD no frequency). This variant has not been reported in the literature in individuals affected with DIAPH1-related conditions. An algorithm developed to predict the effect of missense changes on protein structure and function (PolyPhen-2) suggests that this variant is likely to be disruptive. In summary, the available evidence is currently insufficient to determine the role of this variant in disease. Therefore, it has been classified as a Variant of Uncertain Significance.

Blueprint Genetics
Classification: Uncertain significance. Last evaluated: 2018-04-18. Review status: criteria provided, single submitter. Criteria: ACMG Guidelines, 2015. Collection method: clinical testing. Allele origin: germline.

NM_005219.5(DIAPH1):c.2983G>C (p.Gly995Arg)

Gene: DIAPH1 (diaphanous related formin 1; minus strand). Cytogenetic location: 5q31.3.
Variant type: single nucleotide variant.
Coding change: c.2983G>C on transcript NM_005219.5 (MANE Select); coding-DNA position 2983, G replaced by C.
Protein change: p.Gly995Arg; replaces glycine 995 with arginine.
Molecular consequence: missense variant.
Genome position (GRCh38, 1-based): chr5:141,528,737, C>G on the plus strand (G>C on the coding strand, the complement: DIAPH1 is on the minus strand). VCF-style: chr5-141528737-C-G. GRCh37 (hg19) VCF-style: chr5-140908304-C-G.
Other names: c.2956G>C, p.Gly986Arg (NM_001079812.3); c.2983G>C, p.Gly995Arg (NM_001314007.2); short protein forms G986R, G995R.
Identifiers: ClinVar variation 4783104 (VCV004783104.2).
Genomic context (GRCh38, chr5:141,528,737, plus strand): 5'-GTCCTGCCCTACCTCTTTGGCTCACCTTACAGAGGAAGCTGATATTGAAGCCAAAAGCAC[C>G]AGCATTTCTGGAGCCAGCATTCATGTAATTTCCAACAAGCAAGGTAATCTCTAGGAGATT-3'
Protein context (NP_005210.3, residues 985-1005): NYMNAGSRNA[Gly995Arg]AFGFNISFLC